The following is an entry in ClinVar:

NM_004304.5(ALK):c.991C>T (p.His331Tyr)

Gene: ALK (ALK receptor tyrosine kinase; minus strand). Cytogenetic location: 2p23.2.
Variant type: single nucleotide variant.
Coding change: c.991C>T on transcript NM_004304.5 (MANE Select); coding-DNA position 991, C replaced by T.
Protein change: p.His331Tyr; replaces histidine 331 with tyrosine.
Molecular consequence: missense variant.
Genome position (GRCh38, 1-based): chr2:29,532,078, G>A on the plus strand (C>T on the coding strand, the complement: ALK is on the minus strand). VCF-style: chr2-29532078-G-A. GRCh37 (hg19) VCF-style: chr2-29754944-G-A.
Other names: short protein forms H331Y.
Identifiers: ClinVar variation 3619997 (VCV003619997.2).

ClinVar aggregate classification (germline): Uncertain significance (1 of 4 stars; one submission).

Conditions:
Neuroblastoma, susceptibility to, 3. Also called: ALK-Related Neuroblastic Tumor Susceptibility. Identifiers: Orphanet 635, MedGen C2751681, MONDO:0013083, OMIM 613014.

Submission:

Labcorp Genetics (formerly Invitae), Labcorp
Classification: Uncertain significance for Neuroblastoma, susceptibility to, 3. Last evaluated: 2025-04-27. Review status: criteria provided, single submitter. Criteria: Invitae Variant Classification Sherloc (09022015). Collection method: clinical testing. Allele origin: germline.
Comment: This sequence change replaces histidine, which is basic and polar, with tyrosine, which is neutral and polar, at codon 331 of the ALK protein (p.His331Tyr). This variant is not present in population databases (gnomAD no frequency). This variant has not been reported in the literature in individuals affected with ALK-related conditions. ClinVar contains an entry for this variant (Variation ID: 3619997). An algorithm developed to predict the effect of missense changes on protein structure and function (PolyPhen-2) suggests that this variant is likely to be tolerated. In summary, the available evidence is currently insufficient to determine the role of this variant in disease. Therefore, it has been classified as a Variant of Uncertain Significance.